The following is an entry in ClinVar:

NM_001128840.3(CACNA1D):c.77A>G (p.Tyr26Cys)

Gene: CACNA1D (calcium voltage-gated channel subunit alpha1 D; plus strand). Cytogenetic location: 3p21.1.
Variant type: single nucleotide variant.
Coding change: c.77A>G on transcript NM_001128840.3 (MANE Select); coding-DNA position 77, A replaced by G.
Protein change: p.Tyr26Cys; replaces tyrosine 26 with cysteine.
Molecular consequence: missense variant.
Genome position (GRCh38, 1-based): chr3:53,497,161, A>G. VCF-style: chr3-53497161-A-G. GRCh37 (hg19) VCF-style: chr3-53531188-A-G.
Other names: c.77A>G, p.Tyr26Cys (NM_000720.4, NM_001128839.3); short protein forms Y26C.
Identifiers: ClinVar variation 3658268 (VCV003658268.2).
Genomic context (GRCh38, chr3:53,497,161, plus strand): 5'-ACTGGATCCTCATTTAAAAAAAAAAATCTTTGTTTTTCTCCTTCTCCCCAGAGGCAAACT[A>G]TGCAAGAGGCACCAGACTTCCTCTTTCTGGTGAAGGACCAACTTCTCAGCCGAATAGCTC-3'
Protein context (NP_001122312.1, residues 16-36): QQADHANEAN[Tyr26Cys]ARGTRLPLSG

ClinVar aggregate classification (germline): Uncertain significance (1 of 4 stars; one submission).

Submission:

Labcorp Genetics (formerly Invitae), Labcorp
Classification: Uncertain significance. Last evaluated: 2024-06-30. Review status: criteria provided, single submitter. Criteria: Invitae Variant Classification Sherloc (09022015). Collection method: clinical testing. Allele origin: germline.
Comment: This sequence change replaces tyrosine, which is neutral and polar, with cysteine, which is neutral and slightly polar, at codon 26 of the CACNA1D protein (p.Tyr26Cys). This variant is not present in population databases (gnomAD no frequency). This variant has not been reported in the literature in individuals affected with CACNA1D-related conditions. An algorithm developed to predict the effect of missense changes on protein structure and function (PolyPhen-2) suggests that this variant is likely to be disruptive. In summary, the available evidence is currently insufficient to determine the role of this variant in disease. Therefore, it has been classified as a Variant of Uncertain Significance.